The following is an entry in ClinVar:

NM_020987.5(ANK3):c.1309A>G (p.Ile437Val)

Gene: ANK3 (ankyrin 3; minus strand). Cytogenetic location: 10q21.2.
Variant type: single nucleotide variant.
Coding change: c.1309A>G on transcript NM_020987.5 (MANE Select); coding-DNA position 1309, A replaced by G.
Protein change: p.Ile437Val; replaces isoleucine 437 with valine.
Molecular consequence: missense variant.
Genome position (GRCh38, 1-based): chr10:60,203,085, T>C on the plus strand (A>G on the coding strand, the complement: ANK3 is on the minus strand). VCF-style: chr10-60203085-T-C. GRCh37 (hg19) VCF-style: chr10-61962843-T-C.
Other names: c.1291A>G, p.Ile431Val (NM_001204403.2); c.1258A>G, p.Ile420Val (NM_001204404.2); c.1309A>G, p.Ile437Val (NM_001320874.2); short protein forms I420V, I437V, I431V.
Identifiers: ClinVar variation 2899892 (VCV002899892.3), dbSNP rs763000886, ClinGen allele CA5513168.

ClinVar aggregate classification (germline): Uncertain significance (1 of 4 stars; one submission).

Allele frequency attached by ClinVar (database versions not stated): gnomAD exomes below 0.00001; ExAC 0.00001.
gnomAD v4.1: 4 of 1,613,748 alleles (0.00025%); highest among the groups gnomAD compares: South Asian, 0.0022%; no homozygotes.

Submission:

Labcorp Genetics (formerly Invitae), Labcorp
Classification: Uncertain significance. Last evaluated: 2022-12-05. Review status: criteria provided, single submitter. Criteria: Invitae Variant Classification Sherloc (09022015). Collection method: clinical testing. Allele origin: germline.
Comment: This sequence change replaces isoleucine, which is neutral and non-polar, with valine, which is neutral and non-polar, at codon 437 of the ANK3 protein (p.Ile437Val). This variant is present in population databases (rs763000886, gnomAD 0.003%). This variant has not been reported in the literature in individuals affected with ANK3-related conditions. Algorithms developed to predict the effect of missense changes on protein structure and function are either unavailable or do not agree on the potential impact of this missense change (SIFT: "Not Available"; PolyPhen-2: "Possibly Damaging"; Align-GVGD: "Not Available"). In summary, the available evidence is currently insufficient to determine the role of this variant in disease. Therefore, it has been classified as a Variant of Uncertain Significance.